The following is an entry in ClinVar:

NM_198253.3(TERT):c.2704A>T (p.Lys902Ter)

Gene: TERT (telomerase reverse transcriptase; minus strand). Cytogenetic location: 5p15.33.
Variant type: single nucleotide variant.
Coding change: c.2704A>T on transcript NM_198253.3 (MANE Select); coding-DNA position 2704, A replaced by T.
Protein change: p.Lys902Ter; replaces lysine 902 with a stop codon.
Molecular consequence: nonsense. On other transcripts: intron variant (1).
Genome position (GRCh38, 1-based): chr5:1,264,543, T>A on the plus strand (A>T on the coding strand, the complement: TERT is on the minus strand). VCF-style: chr5-1264543-T-A. GRCh37 (hg19) VCF-style: chr5-1264658-T-A.
Other names: c.2654+1921A>T (NM_001193376.3); short protein forms K902*.
Identifiers: ClinVar variation 863437 (VCV000863437.8), dbSNP rs1748461171, ClinGen allele CA359072163.
Genomic context (GRCh38, chr5:1,264,543, plus strand): 5'-TCTGAACAAAAGCCGTGCCACCCAGGGCCTCGTCTTCTACAGGGAAGTTCACCACTGTCT[T>A]CCGCAAGTTCACCACGCAGCCATACTCAGGGACACCTCGGACCAGGGTCCTAAGGCAGAG-3'

ClinVar aggregate classification (germline): Pathogenic (1 of 4 stars; one submission).

Conditions:
Idiopathic Pulmonary Fibrosis. Also called: Idiopathic fibrosing alveolitis, chronic form; idiopathic fibrosing alveolitis. Identifiers: Orphanet 2032, MedGen C1800706, MeSH D054990, MONDO:0800504.
Dyskeratosis congenita, autosomal dominant 2. Identifiers: MedGen C3151443, MONDO:0013521, OMIM 613989.

Submission:

Labcorp Genetics (formerly Invitae), Labcorp
Classification: Pathogenic for Dyskeratosis congenita, autosomal dominant 2; Idiopathic Pulmonary Fibrosis. Last evaluated: 2020-06-03. Review status: criteria provided, single submitter. Criteria: Invitae Variant Classification Sherloc (09022015). Collection method: clinical testing. Allele origin: germline.
Comment: Algorithms developed to predict the effect of sequence changes on RNA splicing suggest that this variant may create or strengthen a splice site, but this prediction has not been confirmed by published transcriptional studies. Loss-of-function variants in TERT are known to be pathogenic (PMID: 16247010, 17460043). For these reasons, this variant has been classified as Pathogenic. This variant has not been reported in the literature in individuals with TERT-related conditions. This sequence change creates a premature translational stop signal (p.Lys902*) in the TERT gene. It is expected to result in an absent or disrupted protein product. This variant is not present in population databases (ExAC no frequency).

Literature cited by the submitters: PubMed 16247010; PubMed 17460043.